The following is an entry in ClinVar:

ClinVar aggregate classification (germline): Uncertain significance (1 of 4 stars; one submission).

Conditions:
Myofibrillar myopathy 4. Also called: Zaspopathy (type). Identifiers: Orphanet 98912, MedGen C4721886, MONDO:0012277, OMIM 609452.

gnomAD v4.1: 1 of 1,612,980 alleles (0.000062%); highest among the groups gnomAD compares: Non-Finnish European, 0.000085%; no homozygotes.

Submission:

Labcorp Genetics (formerly Invitae), Labcorp
Classification: Uncertain significance for Myofibrillar myopathy 4. Last evaluated: 2024-01-14. Review status: criteria provided, single submitter. Criteria: Invitae Variant Classification Sherloc (09022015). Collection method: clinical testing. Allele origin: germline.
Comment: The LDB3 gene has multiple clinically relevant transcripts. This variant occurs in alternate transcript NM_007078.3, and corresponds to NM_001080116.1:c.321+1429G>T in the primary transcript. This sequence change replaces alanine, which is neutral and non-polar, with serine, which is neutral and polar, at codon 158 of the LDB3 protein (p.Ala158Ser). This variant is present in population databases (rs760903061, gnomAD 0.0009%). This variant has not been reported in the literature in individuals affected with LDB3-related conditions. Experimental studies and prediction algorithms are not available or were not evaluated, and the functional significance of this variant is currently unknown. Algorithms developed to predict the effect of sequence changes on RNA splicing suggest that this variant is not likely to affect RNA splicing. In summary, the available evidence is currently insufficient to determine the role of this variant in disease. Therefore, it has been classified as a Variant of Uncertain Significance.

NM_007078.3(LDB3):c.472G>T (p.Ala158Ser)

Gene: LDB3 (LIM domain binding 3; plus strand). Cytogenetic location: 10q23.2.
Variant type: single nucleotide variant.
Coding change: c.472G>T on transcript NM_007078.3 (MANE Select); coding-DNA position 472, G replaced by T.
Protein change: p.Ala158Ser; replaces alanine 158 with serine.
Molecular consequence: missense variant. On other transcripts: intron variant (5).
Genome position (GRCh38, 1-based): chr10:86,681,586, G>T. VCF-style: chr10-86681586-G-T. GRCh37 (hg19) VCF-style: chr10-88441343-G-T.
Other names: c.472G>T, p.Ala158Ser (NM_001080115.2, NM_001171610.2, NM_001171611.2 and 3 more transcripts); c.321+1429G>T (NM_001368068.1, NM_001368066.1, NM_001080114.2 and 2 more transcripts); short protein forms A158S.
Identifiers: ClinVar variation 2891201 (VCV002891201.3), dbSNP rs760903061, ClinGen allele CA5584713.